The following is an entry in ClinVar:

NM_213653.4(HJV):c.445del (p.Asp149fs)

Gene: HJV (hemojuvelin BMP co-receptor; minus strand). Cytogenetic location: 1q21.1.
Variant type: Deletion.
Coding change: c.445del on transcript NM_213653.4 (MANE Select); coding-DNA position 445, one base deleted (G; older notation c.445delG).
Protein change: p.Asp149fs; shifts the reading frame from aspartic acid 149.
Molecular consequence: frameshift variant. On other transcripts: intron variant (3).
Genome position (GRCh38, 1-based): chr1:146,019,387, C deleted on the plus strand (G on the coding strand, the reverse complement: HJV is on the minus strand). VCF-style (leftmost placement, unchanged base first): chr1-146019386-TC-T. GRCh37 (hg19) VCF-style: chr1-145415625-TG-T.
Other names: c.445delG (NM_213653.4); c.445del, p.Asp149fs (NM_001379352.1); c.106del, p.Asp36fs (NM_145277.5); c.-21-687del (NM_213652.4); c.-22+311del (NM_202004.4, NM_001316767.2); short protein forms D149fs, D36fs.
Identifiers: ClinVar variation 1327997 (VCV001327997.12), dbSNP rs1553769690, ClinGen allele CA526254008.
Genomic context (GRCh38, chr1:146,019,386, plus strand): 5'-GAAGCGCAATGCAAGAACCCCGGGGGACGACCATGCAGCCGGGAAAACCGGCCTTCATAG[TC>T]ACAAGGGTCCGGGGCAGGGAGGCCGGAGCCCGCGCCTGGAAGGGCGGGGCCCCGGGGCGG-3'

ClinVar aggregate classification (germline): Pathogenic/Likely pathogenic. Review status: criteria provided, multiple submitters, no conflicts (2 of 4 stars). 5 submissions from 5 submitters: Pathogenic (2); Likely pathogenic (3). Last evaluated 2026-01-03.

Conditions:
Hemochromatosis type 2A (HFE2A). Also called: HJV (HFE2)-Related Juvenile Hemochromatosis; Adult-Onset Hemochromatosis. Identifiers: Orphanet 79230, MedGen C1865614, MONDO:0011216, OMIM 602390.

Allele frequency attached by ClinVar (database versions not stated): gnomAD exomes below 0.00001.

Submissions (5):

Labcorp Genetics (formerly Invitae), Labcorp
Classification: Pathogenic. Last evaluated: 2026-01-03. Review status: criteria provided, single submitter. Criteria: Invitae Variant Classification Sherloc (09022015). Collection method: clinical testing. Allele origin: germline.
Comment: This sequence change creates a premature translational stop signal (p.Asp149Thrfs*97) in the HJV gene. While this is not anticipated to result in nonsense mediated decay, it is expected to disrupt the last 278 amino acid(s) of the HJV protein. This variant is present in population databases (no rsID available, gnomAD 0.0009%). This premature translational stop signal has been observed in individual(s) with hereditary hemochromatosis (PMID: 14982873). ClinVar contains an entry for this variant (Variation ID: 1327997). This variant disrupts a region of the HJV protein in which other variant(s) (p.Arg385*) have been determined to be pathogenic (PMID: 14982873, 30389309). This suggests that this is a clinically significant region of the protein, and that variants that disrupt it are likely to be disease-causing. For these reasons, this variant has been classified as Pathogenic.

Natera, Inc.
Classification: Likely pathogenic for Hemochromatosis type 2A. Last evaluated: 2024-11-18. Review status: criteria provided, single submitter. Criteria: Natera Variant Classification Schema (03/2026). Collection method: clinical testing. Allele origin: germline.
Comment: The c.445delG variant in HJV is a frameshift variant predicted to shift the reading frame beginning at codon 149 and leads to a stop codon 97 codons downstream. This variant is expected to result in nonsense mediated decay, truncation, or a dysfunctional protein product. This variant is rare in the general population with a frequency below the threshold expected for the associated phenotype(s). This variant has been observed in one or more individuals affected with the associated recessive disease, as either homozygous or compound heterozygous with a second variant (PMID: 34946929, 14982873, 37168645). Given the available evidence, this variant is classified as Likely Pathogenic.

Fulgent Genetics
Classification: Pathogenic for Hemochromatosis type 2A. Last evaluated: 2024-05-29. Review status: criteria provided, single submitter. Criteria: ACMG Guidelines, 2015. Collection method: clinical testing. Allele origin: germline.

BloodGenetics
Classification: Likely pathogenic for Hemochromatosis type 2A. Last evaluated: 2021-07-01. Review status: criteria provided, single submitter. Criteria: ACMG Guidelines, 2015. Collection method: research. Allele origin: germline. Affected: yes. Observed: 1 variant allele.

Kariminejad - Najmabadi Pathology & Genetics Center
Classification: Likely pathogenic for Hemochromatosis type 2A. Review status: criteria provided, single submitter. Criteria: ACMG Guidelines, 2015. Collection method: clinical testing. Allele origin: germline. Affected: no.

Literature cited by the submitters: PubMed 14982873 (cited by Labcorp Genetics (formerly Invitae), Labcorp and Natera, Inc.); PubMed 30389309 (cited by Labcorp Genetics (formerly Invitae), Labcorp); PubMed 34946929 (cited by Natera, Inc. and BloodGenetics); PubMed 37168645 (cited by Natera, Inc.).